The following is an entry in ClinVar:

ClinVar aggregate classification (germline): Uncertain significance (1 of 4 stars; one submission).

Submission:

GeneDx
Classification: Uncertain significance. Last evaluated: 2024-01-25. Review status: criteria provided, single submitter. Criteria: GeneDx Variant Classification Process June 2021. Collection method: clinical testing. Allele origin: germline. Affected: yes.
Comment: Has not been previously published as pathogenic or benign to our knowledge; Not observed at significant frequency in large population cohorts (gnomAD); In silico analysis supports a deleterious effect on splicing

NM_002294.3(LAMP2):c.1093+2490G>A

Gene: LAMP2 (lysosomal associated membrane protein 2; minus strand). Cytogenetic location: Xq24.
Variant type: single nucleotide variant.
Coding change: c.1093+2490G>A on transcript NM_002294.3 (MANE Select); 2490 bases into the intron after coding-DNA position 1093, G replaced by A.
Molecular consequence: intron variant. On other transcripts: missense variant (1).
Genome position (GRCh38, 1-based): chrX:120,439,240, C>T on the plus strand (G>A on the coding strand, the complement: LAMP2 is on the minus strand). VCF-style: chrX-120439240-C-T. GRCh37 (hg19) VCF-style: chrX-119573095-C-T.
Other names: c.1147G>A, p.Ala383Thr (NM_013995.2); c.1093+2490G>A (NM_001122606.1); short protein forms A383T.
Identifiers: ClinVar variation 3368242 (VCV003368242.1).